The following is an entry in ClinVar:

NM_144596.4(TTC8):c.1063A>T (p.Met355Leu)

Gene: TTC8 (tetratricopeptide repeat domain 8; plus strand). Cytogenetic location: 14q31.3.
Variant type: single nucleotide variant.
Coding change: c.1063A>T on transcript NM_144596.4 (MANE Select); coding-DNA position 1063, A replaced by T.
Protein change: p.Met355Leu; replaces methionine 355 with leucine.
Molecular consequence: missense variant. On other transcripts: non-coding transcript variant (1).
Genome position (GRCh38, 1-based): chr14:88,871,562, A>T. VCF-style: chr14-88871562-A-T. GRCh37 (hg19) VCF-style: chr14-89337906-A-T.
Other names: c.1111A>T, p.Met371Leu (NM_001288781.1); c.469A>T, p.Met157Leu (NM_001288782.1); c.346A>T, p.Met116Leu (NM_001288783.1); c.1033A>T, p.Met345Leu (NM_001366535.2, NM_198309.3); c.943A>T, p.Met315Leu (NM_001366536.2, NM_198310.3); c.1063A>T (NM_144596.3); short protein forms M157L, M345L, M371L, M116L, M315L, M355L.
Identifiers: ClinVar variation 956682 (VCV000956682.11), dbSNP rs140163629, ClinGen allele CA7302667.

ClinVar aggregate classification (germline): Uncertain significance. Review status: criteria provided, multiple submitters, no conflicts (2 of 4 stars). 5 submissions from 5 submitters: Uncertain significance (5). Last evaluated 2026-06-01.

Conditions:
TTC8-related disorder. Also called: TTC8-related condition.
Bardet-Biedl syndrome 8 (BBS8). Identifiers: Orphanet 110, MedGen C1859566, MONDO:0014436, OMIM 615985.
Retinitis pigmentosa 51 (RP51). Identifiers: Orphanet 791, MedGen C3150715, MONDO:0013274, OMIM 613464.
Bardet-Biedl syndrome (BBS). Identifiers: Orphanet 110, MedGen C0752166, MONDO:0015229.

Allele frequency attached by ClinVar (database versions not stated): ExAC 0.00002; gnomAD 0.00012; TOPMed 0.00013; ESP Exome Variant Server 0.00015; 1000 Genomes Project 30x 0.00016; 1000 Genomes Project 0.00020.
gnomAD v4.1: 49 of 1,614,004 alleles (0.003%); highest among the groups gnomAD compares: African/African-American, 0.045%; no homozygotes.

Submissions (5):

PreventionGenetics, part of Exact Sciences
Classification: Uncertain significance for TTC8-related condition. Last evaluated: 2026-06-01. Review status: criteria provided, single submitter. Criteria: ACMG Guidelines, 2015. Collection method: clinical testing. Allele origin: germline.
Comment: The TTC8 c.1063A>T variant is predicted to result in the amino acid substitution p.Met355Leu. This variant was previously reported in the heterozygous state in an individual with retinitis pigmentosa (reported as c.1033A>T, Table S1, Griffith et al. 2022. PubMed ID: 36011402). This variant is reported in 0.048% of alleles in individuals of African descent in gnomAD. At this time, the clinical significance of this variant is uncertain due to the absence of conclusive functional and genetic evidence.

Labcorp Genetics (formerly Invitae), Labcorp
Classification: Uncertain significance for Bardet-Biedl syndrome. Last evaluated: 2025-06-16. Review status: criteria provided, single submitter. Criteria: Invitae Variant Classification Sherloc (09022015). Collection method: clinical testing. Allele origin: germline.
Comment: This sequence change replaces methionine, which is neutral and non-polar, with leucine, which is neutral and non-polar, at codon 345 of the TTC8 protein (p.Met345Leu). This variant is present in population databases (rs140163629, gnomAD 0.05%). This variant has not been reported in the literature in individuals affected with TTC8-related conditions. ClinVar contains an entry for this variant (Variation ID: 956682). Invitae Evidence Modeling of protein sequence and biophysical properties (such as structural, functional, and spatial information, amino acid conservation, physicochemical variation, residue mobility, and thermodynamic stability) indicates that this missense variant is not expected to disrupt TTC8 protein function with a negative predictive value of 80%. In summary, the available evidence is currently insufficient to determine the role of this variant in disease. Therefore, it has been classified as a Variant of Uncertain Significance.

Blueprint Genetics
Classification: Uncertain significance. Last evaluated: 2024-06-17. Review status: criteria provided, single submitter. Criteria: ACMG Guidelines, 2015. Collection method: clinical testing. Allele origin: germline.

Fulgent Genetics
Classification: Uncertain significance for Retinitis pigmentosa 51; Bardet-Biedl syndrome 8. Last evaluated: 2024-05-22. Review status: criteria provided, single submitter. Criteria: ACMG Guidelines, 2015. Collection method: clinical testing. Allele origin: germline.

Breakthrough Genomics
Classification: Uncertain significance. Review status: criteria provided, single submitter. Criteria: ACMG Guidelines, 2015. Collection method: not provided. Allele origin: germline. Inheritance: Autosomal recessive inheritance. Affected: yes.